The following is an entry in ClinVar:

ClinVar aggregate classification (germline): Uncertain significance (1 of 4 stars; one submission).

Conditions:
RASopathy. Also called: Noonan spectrum disorder; rasopathies. Identifiers: Orphanet 536391, MedGen C5555857, MONDO:0021060.

Submission:

Labcorp Genetics (formerly Invitae), Labcorp
Classification: Uncertain significance for RASopathy. Last evaluated: 2023-04-17. Review status: criteria provided, single submitter. Criteria: Invitae Variant Classification Sherloc (09022015). Collection method: clinical testing. Allele origin: germline.
Comment: In summary, the available evidence is currently insufficient to determine the role of this variant in disease. Therefore, it has been classified as a Variant of Uncertain Significance. An algorithm developed to predict the effect of missense changes on protein structure and function (PolyPhen-2) suggests that this variant is likely to be tolerated. This variant has not been reported in the literature in individuals affected with CBL-related conditions. This variant is not present in population databases (gnomAD no frequency). This sequence change replaces threonine, which is neutral and polar, with lysine, which is basic and polar, at codon 811 of the CBL protein (p.Thr811Lys).

NM_005188.4(CBL):c.2432C>A (p.Thr811Lys)

Gene: CBL (Cbl proto-oncogene; plus strand). Cytogenetic location: 11q23.3.
Variant type: single nucleotide variant.
Coding change: c.2432C>A on transcript NM_005188.4 (MANE Select); coding-DNA position 2432, C replaced by A.
Protein change: p.Thr811Lys; replaces threonine 811 with lysine.
Molecular consequence: missense variant.
Genome position (GRCh38, 1-based): chr11:119,298,538, C>A. VCF-style: chr11-119298538-C-A. GRCh37 (hg19) VCF-style: chr11-119169248-C-A.
Other names: short protein forms T811K.
Identifiers: ClinVar variation 2844965 (VCV002844965.3), dbSNP rs749068285, ClinGen allele CA382930556.